The following is an entry in ClinVar:

ClinVar aggregate classification (germline): Uncertain significance. Review status: criteria provided, multiple submitters, no conflicts (2 of 4 stars). 3 submissions from 3 submitters: Uncertain significance (3). Last evaluated 2024-04-16.

Conditions:
Hypokalemic periodic paralysis, type 1. Also called: HypoPP; Hypokalemic Periodic Paralysis Type 1 (AD). Identifiers: Orphanet 681, MedGen C3714580, MONDO:0042979, OMIM 170400.
Malignant hyperthermia, susceptibility to, 5 (MHS5). Also called: CACNA1S-Related Malignant Hyperthermia Susceptibility. Identifiers: Orphanet 423, MedGen C1866077, MONDO:0011163, OMIM 601887.

Allele frequency attached by ClinVar (database versions not stated): TOPMed below 0.00001; gnomAD 0.00001; gnomAD exomes 0.00005.
gnomAD v4.1: 66 of 1,612,954 alleles (0.0041%); highest among the groups gnomAD compares: Non-Finnish European, 0.0056%; no homozygotes.

Submissions (3):

Revvity Omics, Revvity
Classification: Uncertain significance. Last evaluated: 2024-04-16. Review status: criteria provided, single submitter. Criteria: ACMG Guidelines, 2015. Collection method: clinical testing. Allele origin: germline.

All of Us Research Program, National Institutes of Health
Classification: Uncertain significance for Malignant hyperthermia, susceptibility to, 5. Last evaluated: 2023-08-28. Review status: criteria provided, single submitter. Criteria: ACMG Guidelines, 2015. Collection method: clinical testing. Allele origin: germline. Inheritance: Autosomal dominant inheritance. Observed: 4 variant alleles, 4 heterozygotes.
Comment: This missense variant replaces methionine with isoleucine at codon 921 of the CACNA1S protein. Computational prediction suggests that this variant may not impact protein structure and function (internally defined REVEL score threshold <= 0.5, PMID: 27666373). To our knowledge, functional studies have not been reported for this variant. This variant has not been reported in individuals affected with CACNA1S-related disorders in the literature. This variant has not been identified in the general population by the Genome Aggregation Database (gnomAD). The available evidence is insufficient to determine the role of this variant in disease conclusively. Therefore, this variant is classified as a Variant of Uncertain Significance.

This study involves interpretation of variants in research participants for the purpose of population health screening. Participant phenotype was not available at the time of variant classification. Additional details can be found in publication PMID: 35346344, PMCID: PMC8962531

Labcorp Genetics (formerly Invitae), Labcorp
Classification: Uncertain significance for Hypokalemic periodic paralysis, type 1; Malignant hyperthermia, susceptibility to, 5. Last evaluated: 2022-10-01. Review status: criteria provided, single submitter. Criteria: Invitae Variant Classification Sherloc (09022015). Collection method: clinical testing. Allele origin: germline.
Comment: This sequence change replaces methionine, which is neutral and non-polar, with isoleucine, which is neutral and non-polar, at codon 921 of the CACNA1S protein (p.Met921Ile). This variant is not present in population databases (gnomAD no frequency). This variant has not been reported in the literature in individuals affected with CACNA1S-related conditions. ClinVar contains an entry for this variant (Variation ID: 1007338). Advanced modeling of protein sequence and biophysical properties (such as structural, functional, and spatial information, amino acid conservation, physicochemical variation, residue mobility, and thermodynamic stability) performed at Invitae indicates that this missense variant is not expected to disrupt CACNA1S protein function. In summary, the available evidence is currently insufficient to determine the role of this variant in disease. Therefore, it has been classified as a Variant of Uncertain Significance.

NM_000069.3(CACNA1S):c.2763G>T (p.Met921Ile)

Gene: CACNA1S (calcium voltage-gated channel subunit alpha1 S; minus strand). Cytogenetic location: 1q32.1.
Variant type: single nucleotide variant.
Coding change: c.2763G>T on transcript NM_000069.3 (MANE Select); coding-DNA position 2763, G replaced by T.
Protein change: p.Met921Ile; replaces methionine 921 with isoleucine.
Molecular consequence: missense variant.
Genome position (GRCh38, 1-based): chr1:201,065,928, C>A on the plus strand (G>T on the coding strand, the complement: CACNA1S is on the minus strand). VCF-style: chr1-201065928-C-A. GRCh37 (hg19) VCF-style: chr1-201035056-C-A.
Other names: short protein forms M921I.
Identifiers: ClinVar variation 1007338 (VCV001007338.10), dbSNP rs965862537, ClinGen allele CA35970176.
Genomic context (GRCh38, chr1:201,065,928, plus strand): 5'-CATGAACTGTAGGAGGGTAGTGACCAGCACGATGTTCCCGATGGTGCTGATGGCCACGAA[C>A]ATGCACTGCACCACGTGCTGGGGACAGAGGGGCCAATGGGGACTGGGGGTGCACCCACAG-3'
Protein context (NP_000060.2, residues 911-931): AKGLKHVVQC[Met921Ile]FVAISTIGNI